The following is an entry in ClinVar:

NM_001166108.2(PALLD):c.2131C>G (p.Arg711Gly)

Genes: CBR4 (carbonyl reductase 4; minus strand), PALLD (palladin, cytoskeletal associated protein; plus strand). Cytogenetic location: 4q32.3.
Variant type: single nucleotide variant.
Coding change: c.2131C>G on transcript NM_001166108.2 (MANE Select); coding-DNA position 2131, C replaced by G.
Protein change: p.Arg711Gly; replaces arginine 711 with glycine.
Molecular consequence: missense variant.
Genome position (GRCh38, 1-based): chr4:168,894,609, C>G. VCF-style: chr4-168894609-C-G. GRCh37 (hg19) VCF-style: chr4-169815760-C-G.
Other names: c.985C>G, p.Arg329Gly (NM_001166109.2); c.670C>G, p.Arg224Gly (NM_001166110.2); c.10C>G, p.Arg4Gly (NM_001367567.1, NM_001367568.1, NM_001367569.1 and 1 more transcripts); c.2131C>G, p.Arg711Gly (NM_016081.4); short protein forms R329G, R4G, R711G, R224G.
Identifiers: ClinVar variation 3413627 (VCV003413627.1).

ClinVar aggregate classification (germline): Uncertain significance (1 of 4 stars; one submission).

Submission:

Ambry Genetics
Classification: Uncertain significance. Last evaluated: 2024-09-26. Review status: criteria provided, single submitter. Criteria: Ambry Variant Classification Scheme 2023. Collection method: clinical testing. Allele origin: germline.
Comment: The p.R711G variant (also known as c.2131C>G), located in coding exon 11 of the PALLD gene, results from a C to G substitution at nucleotide position 2131. The arginine at codon 711 is replaced by glycine, an amino acid with dissimilar properties. This amino acid position is conserved. In addition, this alteration is predicted to be deleterious by in silico analysis. Based on the available evidence, the clinical significance of this variant remains unclear.